The following is an entry in ClinVar:

NM_013266.4(CTNNA3):c.986T>C (p.Ile329Thr)

Gene: CTNNA3 (catenin alpha 3; minus strand). Cytogenetic location: 10q21.3.
Variant type: single nucleotide variant.
Coding change: c.986T>C on transcript NM_013266.4 (MANE Select); coding-DNA position 986, T replaced by C.
Protein change: p.Ile329Thr; replaces isoleucine 329 with threonine.
Molecular consequence: missense variant.
Genome position (GRCh38, 1-based): chr10:67,180,378, A>G on the plus strand (T>C on the coding strand, the complement: CTNNA3 is on the minus strand). VCF-style: chr10-67180378-A-G. GRCh37 (hg19) VCF-style: chr10-68940136-A-G.
Other names: c.986T>C, p.Ile329Thr (NM_001127384.3); c.1022T>C, p.Ile341Thr (NM_001291133.2); c.986T>C (NM_013266.2); short protein forms I329T, I341T.
Identifiers: ClinVar variation 474828 (VCV000474828.9), dbSNP rs181929603, ClinGen allele CA5520434.
Genomic context (GRCh38, chr10:67,180,378, plus strand): 5'-TTGTTCATGTACTCTGAAAGCAGATCCTGAAGAGCCTGGCGAATGGCGTTGCATTCTGCG[A>G]TAATCCGCTCTCGGTGTAAGTCCCTCGTACATGAAGAATCCGCCAGCAGAGCAGCCCCAC-3'
Protein context (NP_037398.2, residues 319-339): CTRDLHRERI[Ile329Thr]AECNAIRQAL

ClinVar aggregate classification (germline): Uncertain significance. Review status: criteria provided, multiple submitters, no conflicts (2 of 4 stars). 2 submissions from 2 submitters: Uncertain significance (2). Last evaluated 2026-02-15.

Conditions:
Arrhythmogenic right ventricular dysplasia 13. Also called: ARRHYTHMOGENIC RIGHT VENTRICULAR CARDIOMYOPATHY 13; Arrhythmogenic right ventricular dysplasia, familial, 13. Identifiers: MedGen C3810138, MONDO:0000908, OMIM 615616.

Allele frequency attached by ClinVar (database versions not stated): gnomAD exomes 0.00002 and below 0.00001; ExAC 0.00001; gnomAD 0.00001; TOPMed 0.00002.
gnomAD v4.1: 34 of 1,613,784 alleles (0.0021%); highest among the groups gnomAD compares: Non-Finnish European, 0.0028%; no homozygotes.

Submissions (2):

Ambry Genetics
Classification: Uncertain significance. Last evaluated: 2026-02-15. Review status: criteria provided, single submitter. Criteria: Ambry Variant Classification Scheme 2023. Collection method: clinical testing. Allele origin: germline.
Comment: The p.I329T variant (also known as c.986T>C), located in coding exon 6 of the CTNNA3 gene, results from a T to C substitution at nucleotide position 986. The isoleucine at codon 329 is replaced by threonine, an amino acid with similar properties. This amino acid position is conserved. In addition, the in silico prediction for this alteration is inconclusive. Based on the available evidence, the clinical significance of this variant remains unclear.

Labcorp Genetics (formerly Invitae), Labcorp
Classification: Uncertain significance for Arrhythmogenic right ventricular dysplasia 13. Last evaluated: 2024-09-18. Review status: criteria provided, single submitter. Criteria: Invitae Variant Classification Sherloc (09022015). Collection method: clinical testing. Allele origin: germline.
Comment: This sequence change replaces isoleucine, which is neutral and non-polar, with threonine, which is neutral and polar, at codon 329 of the CTNNA3 protein (p.Ile329Thr). This variant is present in population databases (rs181929603, gnomAD 0.0009%). This variant has not been reported in the literature in individuals affected with CTNNA3-related conditions. ClinVar contains an entry for this variant (Variation ID: 474828). Invitae Evidence Modeling of protein sequence and biophysical properties (such as structural, functional, and spatial information, amino acid conservation, physicochemical variation, residue mobility, and thermodynamic stability) indicates that this missense variant is not expected to disrupt CTNNA3 protein function with a negative predictive value of 80%. In summary, the available evidence is currently insufficient to determine the role of this variant in disease. Therefore, it has been classified as a Variant of Uncertain Significance.